The following is an entry in ClinVar:

NM_001127511.3(APC):c.-5C>T

Gene: APC (APC regulator of Wnt signaling pathway; plus strand). Cytogenetic location: 5q22.2.
Variant type: single nucleotide variant.
Coding change: c.-5C>T on transcript NM_001127511.3; 5 bases upstream of the start codon, C replaced by T.
Molecular consequence: 5 prime UTR variant. On other transcripts: non-coding transcript variant (1), intron variant (5).
Genome position (GRCh38, 1-based): chr5:112,707,713, C>T. VCF-style: chr5-112707713-C-T. GRCh37 (hg19) VCF-style: chr5-112043410-C-T.
Other names: c.-19+64C>T (NM_001407448.1, NM_001407450.1, NM_001407457.1 and 1 more transcripts); c.-43+64C>T (NM_001407453.1); c.-188C>T (NM_001354895.2, NM_001407447.1, NM_001407452.1 and 3 more transcripts); c.-5C>T (NM_001354897.2, NM_001354902.2, NM_001407446.1); c.-1223C>T (NM_001407470.1, NM_001407472.1).
Identifiers: ClinVar variation 537579 (VCV000537579.8), dbSNP rs972010514, ClinGen allele CA124925090.

ClinVar aggregate classification (germline): Uncertain significance (1 of 4 stars; one submission).

Conditions:
Familial adenomatous polyposis 1 (FAP1). Also called: FAMILIAL ADENOMATOUS POLYPOSIS 1, ATTENUATED; POLYPOSIS, ADENOMATOUS INTESTINAL. Identifiers: MedGen C2713442, MONDO:0021056, OMIM 175100. Disease mechanism: loss of function.

Allele frequency attached by ClinVar (database versions not stated): gnomAD exomes 0.00001; gnomAD 0.00001; TOPMed 0.00001.
gnomAD v4.1: 7 of 1,370,514 alleles (0.00051%); highest among the groups gnomAD compares: South Asian, 0.0012%; no homozygotes.

Submission:

Labcorp Genetics (formerly Invitae), Labcorp
Classification: Uncertain significance for Familial adenomatous polyposis 1. Last evaluated: 2025-10-27. Review status: criteria provided, single submitter. Criteria: Invitae Variant Classification Sherloc (09022015). Collection method: clinical testing. Allele origin: germline.
Comment: This variant occurs in a non-coding region of the APC gene. It does not change the encoded amino acid sequence of the APC protein. This variant is not present in population databases (gnomAD no frequency). This variant has not been reported in the literature in individuals affected with APC-related conditions. ClinVar contains an entry for this variant (Variation ID: 537579). Experimental studies and prediction algorithms are not available or were not evaluated, and the functional significance of this variant is currently unknown. In summary, the available evidence is currently insufficient to determine the role of this variant in disease. Therefore, it has been classified as a Variant of Uncertain Significance.